The following is an entry in ClinVar:

NM_139276.3(STAT3):c.1143C>G (p.Ser381=)

Gene: STAT3 (signal transducer and activator of transcription 3; minus strand). Cytogenetic location: 17q21.2.
Variant type: single nucleotide variant.
Coding change: c.1143C>G on transcript NM_139276.3 (MANE Select); coding-DNA position 1143, C replaced by G.
Protein change: p.Ser381=; no amino-acid change (serine 381 retained).
Molecular consequence: synonymous variant.
Genome position (GRCh38, 1-based): chr17:42,329,644, G>C on the plus strand (C>G on the coding strand, the complement: STAT3 is on the minus strand). VCF-style: chr17-42329644-G-C. GRCh37 (hg19) VCF-style: chr17-40481662-G-C.
Other names: c.1143C>G, p.Ser381= (NM_001369512.1, NM_001369513.1, NM_001369514.1 and 12 more transcripts); c.1065C>G, p.Ser355= (NM_001384985.1); c.1158C>G, p.Ser386= (NM_001384986.1, NM_001384990.1); c.1047C>G, p.Ser349= (NM_001384989.1); c.1083C>G, p.Ser361= (NM_001384992.1).
Identifiers: ClinVar variation 712352 (VCV000712352.45), dbSNP rs143571879, ClinGen allele CA8575419.

ClinVar aggregate classification (germline): Benign/Likely benign. Review status: criteria provided, multiple submitters, no conflicts (2 of 4 stars). 6 submissions from 6 submitters: Benign (1); Likely benign (3). 2 of the submissions do not count toward it. Last evaluated 2026-08-26.

Conditions:
STAT3-related disorder. Also called: STAT3-related condition.
Hyper-IgE recurrent infection syndrome 1, autosomal dominant. Also called: STAT3 Hyper IgE Syndrome; Job's Syndrome; HYPER-IgE SYNDROME 1, AUTOSOMAL DOMINANT, WITH RECURRENT INFECTIONS; JOB SYNDROME; Hyper-IgE recurrent infection syndrome 1. Identifiers: Orphanet 2314, MedGen C2936739, MONDO:0007818, OMIM 147060.
STAT3 gain of function. Identifiers: MedGen C4288261.

Allele frequency attached by ClinVar (database versions not stated): ESP Exome Variant Server 0.00008; TOPMed 0.00011; gnomAD 0.00013 and 0.00017; gnomAD exomes 0.00015 and 0.00021; 1000 Genomes Project 30x 0.00016; 1000 Genomes Project 0.00020; ExAC 0.00025.
gnomAD v4.1: 241 of 1,614,160 alleles (0.015%); highest among the groups gnomAD compares: South Asian, 0.14%; 1 homozygote.

Submissions (6):

PreventionGenetics, part of Exact Sciences
Classification: Likely benign for STAT3-related condition. Last evaluated: 2026-08-26. Review status: criteria provided, single submitter. Criteria: ACMG Guidelines, 2015. Collection method: clinical testing. Allele origin: germline.
Comment: This variant is classified as likely benign based on ACMG/AMP sequence variant interpretation guidelines (Richards et al. 2015 PMID: 25741868, with internal and published modifications).

Labcorp Genetics (formerly Invitae), Labcorp
Classification: Benign for STAT3 gain of function; Hyper-IgE recurrent infection syndrome 1, autosomal dominant. Last evaluated: 2025-12-24. Review status: criteria provided, single submitter. Criteria: Invitae Variant Classification Sherloc (09022015). Collection method: clinical testing. Allele origin: germline.

CeGaT Center for Human Genetics Tuebingen
Classification: Likely benign. Last evaluated: 2025-06-01. Review status: criteria provided, single submitter. Criteria: CeGaT Center For Human Genetics Tuebingen Variant Classification Criteria Version 2. Collection method: clinical testing. Allele origin: germline. Affected: yes. Observed: 3 variant alleles.
Comment: STAT3: BP4, BP7, BS1

Blueprint Genetics
Classification: Likely benign. Last evaluated: 2024-10-10. Review status: criteria provided, single submitter. Criteria: ACMG Guidelines, 2015. Collection method: clinical testing. Allele origin: germline.

Clinical Genetics DNA and cytogenetics Diagnostics Lab, Erasmus MC, Erasmus Medical Center
Classification: Likely benign. Review status: no assertion criteria provided. Collection method: clinical testing. Allele origin: germline. Affected: yes. Study: VKGL Data-share Consensus. Not counted in ClinVar's aggregate classification.

Genome Diagnostics Laboratory, University Medical Center Utrecht
Classification: Likely benign. Review status: no assertion criteria provided. Collection method: clinical testing. Allele origin: germline. Affected: yes. Study: VKGL Data-share Consensus. Not counted in ClinVar's aggregate classification.